The following is an entry in ClinVar:

NM_000090.4(COL3A1):c.2351C>T (p.Ala784Val)

Genes: COL3A1 (collagen type III alpha 1 chain; plus strand), LOC126806446 (P300/CBP strongly-dependent group 1 enhancer GRCh37_chr2:189866210-189867409; plus strand). Cytogenetic location: 2q32.2.
Variant type: single nucleotide variant.
Coding change: c.2351C>T on transcript NM_000090.4 (MANE Select); coding-DNA position 2351, C replaced by T.
Protein change: p.Ala784Val; replaces alanine 784 with valine.
Molecular consequence: missense variant.
Genome position (GRCh38, 1-based): chr2:189,001,549, C>T. VCF-style: chr2-189001549-C-T. GRCh37 (hg19) VCF-style: chr2-189866275-C-T.
Other names: short protein forms A784V.
Identifiers: ClinVar variation 930266 (VCV000930266.11), dbSNP rs370292679, ClinGen allele CA075238.

ClinVar aggregate classification (germline): Conflicting classifications of pathogenicity. Review status: criteria provided, conflicting classifications (1 of 4 stars). 4 submissions from 4 submitters: Uncertain significance (3); Likely benign (1). Last evaluated 2025-10-02.

Conditions:
Familial thoracic aortic aneurysm and aortic dissection (TAAD). Also called: Thoracic aortic aneurysms and dissections. Identifiers: Orphanet 91387, MedGen C4707243, MONDO:0019625.
Ehlers-Danlos syndrome, type 4 (EDSVASC). Also called: Ehlers-Danlos syndrome vascular type; Ehlers Danlos syndrome, ecchymotic type; Ehlers Danlos syndrome, arterial type; Ehlers Danlos syndrome, Sack-Barabas type; Ehlers-Danlos Syndrome Type IV. Identifiers: Orphanet 286, MedGen C0268338, MONDO:0017314, OMIM 130050.
Polymicrogyria with or without vascular-type Ehlers-Danlos syndrome. Identifiers: Orphanet 636941, MedGen C5193040, MONDO:0032688, OMIM 618343.

Allele frequency attached by ClinVar (database versions not stated): gnomAD 0.00001; gnomAD exomes 0.00002 and 0.00003; TOPMed 0.00002; ExAC 0.00005; ESP Exome Variant Server 0.00008.
gnomAD v4.1: 44 of 1,613,746 alleles (0.0027%); highest among the groups gnomAD compares: Non-Finnish European, 0.0035%; no homozygotes.

Submissions (4):

Labcorp Genetics (formerly Invitae), Labcorp
Classification: Uncertain significance for Ehlers-Danlos syndrome, type 4. Last evaluated: 2025-10-02. Review status: criteria provided, single submitter. Criteria: Invitae Variant Classification Sherloc (09022015). Collection method: clinical testing. Allele origin: germline.
Comment: This sequence change replaces alanine, which is neutral and non-polar, with valine, which is neutral and non-polar, at codon 784 of the COL3A1 protein (p.Ala784Val). This variant is present in population databases (rs370292679, gnomAD 0.006%). This variant has not been reported in the literature in individuals affected with COL3A1-related conditions. ClinVar contains an entry for this variant (Variation ID: 930266). Invitae Evidence Modeling of protein sequence and biophysical properties (such as structural, functional, and spatial information, amino acid conservation, physicochemical variation, residue mobility, and thermodynamic stability) indicates that this missense variant is not expected to disrupt COL3A1 protein function with a negative predictive value of 95%. In summary, the available evidence is currently insufficient to determine the role of this variant in disease. Therefore, it has been classified as a Variant of Uncertain Significance.

Ambry Genetics
Classification: Likely benign for Familial thoracic aortic aneurysm and aortic dissection. Last evaluated: 2024-01-08. Review status: criteria provided, single submitter. Criteria: Ambry Variant Classification Scheme 2023. Collection method: clinical testing. Allele origin: germline.

GeneDx
Classification: Uncertain significance. Last evaluated: 2023-02-03. Review status: criteria provided, single submitter. Criteria: GeneDx Variant Classification Process June 2021. Collection method: clinical testing. Allele origin: germline. Affected: yes.
Comment: Has not been previously published as pathogenic or benign to our knowledge; In silico analysis supports that this missense variant does not alter protein structure/function; Occurs in the triple helical domain at the X position in the canonical Gly-X-Y repeat; although this variant may have an effect on normal protein folding and function, missense substitution at the X position is not a common mechanism of disease (HGMD)

Centre for Mendelian Genomics, University Medical Centre Ljubljana
Classification: Uncertain significance for Polymicrogyria with or without vascular-type Ehlers-Danlos syndrome. Last evaluated: 2020-03-30. Review status: criteria provided, single submitter. Criteria: ACMG Guidelines, 2015. Collection method: clinical testing. Allele origin: unknown. Affected: yes.
Comment: This variant was classified as: Uncertain significance. The available evidence on this variant's pathogenicity is insufficient or conflicting. The following ACMG criteria were applied in classifying this variant: PP2.